The following is an entry in ClinVar:

ClinVar aggregate classification (germline): Uncertain significance (1 of 4 stars; one submission).

Conditions:
Congenital sideroblastic anemia-B-cell immunodeficiency-periodic fever-developmental delay syndrome. Also called: Sideroblastic anemia with B-cell immunodeficiency, periodic fevers, and developmental delay. Identifiers: Orphanet 369861, MedGen C4015172, MONDO:0014487, OMIM 616084.

Allele frequency attached by ClinVar (database versions not stated): TOPMed 0.00001.

Submission:

Labcorp Genetics (formerly Invitae), Labcorp
Classification: Uncertain significance for Congenital sideroblastic anemia-B-cell immunodeficiency-periodic fever-developmental delay syndrome. Last evaluated: 2019-05-17. Review status: criteria provided, single submitter. Criteria: Invitae Variant Classification Sherloc (09022015). Collection method: clinical testing. Allele origin: germline.
Comment: This sequence change replaces histidine with glutamine at codon 116 of the TRNT1 protein (p.His116Gln). The histidine residue is moderately conserved and there is a small physicochemical difference between histidine and glutamine. This variant is not present in population databases (ExAC no frequency). This variant has not been reported in the literature in individuals with TRNT1-related conditions. Algorithms developed to predict the effect of missense changes on protein structure and function (SIFT, PolyPhen-2, Align-GVGD) all suggest that this variant is likely to be tolerated, but these predictions have not been confirmed by published functional studies and their clinical significance is uncertain. In summary, the available evidence is currently insufficient to determine the role of this variant in disease. Therefore, it has been classified as a Variant of Uncertain Significance.

NM_182916.3(TRNT1):c.348T>G (p.His116Gln)

Gene: TRNT1 (tRNA nucleotidyl transferase 1; plus strand). Cytogenetic location: 3p26.2.
Variant type: single nucleotide variant.
Coding change: c.348T>G on transcript NM_182916.3 (MANE Select); coding-DNA position 348, T replaced by G.
Protein change: p.His116Gln; replaces histidine 116 with glutamine.
Molecular consequence: missense variant. On other transcripts: non-coding transcript variant (6).
Genome position (GRCh38, 1-based): chr3:3,140,515, T>G. VCF-style: chr3-3140515-T-G. GRCh37 (hg19) VCF-style: chr3-3182199-T-G.
Other names: c.348T>G, p.His116Gln (NM_001302946.2, NM_001367321.1, NM_001367322.1 and 1 more transcripts); short protein forms H116Q.
Identifiers: ClinVar variation 946345 (VCV000946345.6), dbSNP rs1705578519, ClinGen allele CA351443797.